The following is an entry in ClinVar:

NM_000069.3(CACNA1S):c.377A>G (p.Asp126Gly)

Gene: CACNA1S (calcium voltage-gated channel subunit alpha1 S; minus strand). Cytogenetic location: 1q32.1.
Variant type: single nucleotide variant.
Coding change: c.377A>G on transcript NM_000069.3 (MANE Select); coding-DNA position 377, A replaced by G.
Protein change: p.Asp126Gly; replaces aspartic acid 126 with glycine.
Molecular consequence: missense variant.
Genome position (GRCh38, 1-based): chr1:201,093,903, T>C on the plus strand (A>G on the coding strand, the complement: CACNA1S is on the minus strand). VCF-style: chr1-201093903-T-C. GRCh37 (hg19) VCF-style: chr1-201063031-T-C.
Other names: short protein forms D126G.
Identifiers: ClinVar variation 3073260 (VCV003073260.1), dbSNP rs2464632977, ClinGen allele CA344144341.

ClinVar aggregate classification (germline): Uncertain significance (1 of 4 stars; one submission).

Conditions:
Malignant hyperthermia, susceptibility to, 5 (MHS5). Also called: CACNA1S-Related Malignant Hyperthermia Susceptibility. Identifiers: Orphanet 423, MedGen C1866077, MONDO:0011163, OMIM 601887.

Submission:

All of Us Research Program, National Institutes of Health
Classification: Uncertain significance for Malignant hyperthermia, susceptibility to, 5. Last evaluated: 2023-08-28. Review status: criteria provided, single submitter. Criteria: ACMG Guidelines, 2015. Collection method: clinical testing. Allele origin: germline. Inheritance: Autosomal dominant inheritance. Observed: 1 variant allele, 1 heterozygote.
Comment: This missense variant replaces aspartic acid with glycine at codon 126 of the CACNA1S protein. Computational prediction suggests that this variant may have deleterious impact on protein structure and function (internally defined REVEL score threshold >= 0.7, PMID: 27666373). To our knowledge, functional studies have not been reported for this variant. This variant has not been reported in individuals affected with CACNA1S-related disorders in the literature. This variant has not been identified in the general population by the Genome Aggregation Database (gnomAD). The available evidence is insufficient to determine the role of this variant in disease conclusively. Therefore, this variant is classified as a Variant of Uncertain Significance.

This study involves interpretation of variants in research participants for the purpose of population health screening. Participant phenotype was not available at the time of variant classification. Additional details can be found in publication PMID: 35346344, PMCID: PMC8962531